The following is an entry in ClinVar:

ClinVar aggregate classification (germline): Conflicting classifications of pathogenicity. Review status: criteria provided, conflicting classifications (1 of 4 stars). 3 submissions from 3 submitters: Uncertain significance (2); Likely benign (1). Last evaluated 2025-02-20.

Conditions:
Cardiovascular phenotype. Identifiers: MedGen CN230736.
Alstrom syndrome (ALMS). Identifiers: Orphanet 64, MedGen C0268425, MONDO:0008763, OMIM 203800.

Allele frequency attached by ClinVar (database versions not stated): gnomAD exomes below 0.00001; TOPMed below 0.00001; ExAC 0.00001.
gnomAD v4.1: 2 of 1,613,884 alleles (0.00012%); highest among the groups gnomAD compares: Non-Finnish European, 0.00017%; no homozygotes.

Submissions (3):

Ambry Genetics
Classification: Likely benign for Cardiovascular phenotype. Last evaluated: 2025-02-20. Review status: criteria provided, single submitter. Criteria: Ambry Variant Classification Scheme 2023. Collection method: clinical testing. Allele origin: germline.

Labcorp Genetics (formerly Invitae), Labcorp
Classification: Uncertain significance for Alstrom syndrome. Last evaluated: 2021-08-24. Review status: criteria provided, single submitter. Criteria: Invitae Variant Classification Sherloc (09022015). Collection method: clinical testing. Allele origin: germline.

Women's Health and Genetics/Laboratory Corporation of America, LabCorp
Classification: Uncertain significance. Last evaluated: 2021-07-19. Review status: criteria provided, single submitter. Criteria: LabCorp Variant Classification Summary - May 2015. Collection method: clinical testing. Allele origin: germline.
Comment: Variant summary: ALMS1 c.4598A>G (p.Tyr1533Cys) results in a non-conservative amino acid change located in the Alstrom syndrome repeat region (IPR040972) of the encoded protein sequence. Three of five in-silico tools predict a damaging effect of the variant on protein function. The variant allele was found at a frequency of 4e-06 in 249080 control chromosomes (gnomAD v2.1). The available data on variant occurrences in the general population are insufficient to allow any conclusion about variant significance. To our knowledge, no occurrence of c.4598A>G in individuals affected with Alstrom Syndrome with Dilated Cardiomyopathy and no experimental evidence demonstrating its impact on protein function have been reported. One clinical diagnostic laboratory has submitted clinical-significance assessments for this variant to ClinVar after 2014 without evidence for independent evaluation, and classified the variant as uncertain significance. Based on the evidence outlined above, the variant was classified as uncertain significance.

NM_001378454.1(ALMS1):c.4601A>G (p.Tyr1534Cys)

Gene: ALMS1 (ALMS1 centrosome and basal body associated protein; plus strand). Cytogenetic location: 2p13.1.
Variant type: single nucleotide variant.
Coding change: c.4601A>G on transcript NM_001378454.1 (MANE Select); coding-DNA position 4601, A replaced by G.
Protein change: p.Tyr1534Cys; replaces tyrosine 1534 with cysteine.
Molecular consequence: missense variant.
Genome position (GRCh38, 1-based): chr2:73,451,128, A>G. VCF-style: chr2-73451128-A-G. GRCh37 (hg19) VCF-style: chr2-73678255-A-G.
Other names: c.4604A>G, p.Tyr1535Cys (NM_015120.4); short protein forms Y1534C, Y1535C.
Identifiers: ClinVar variation 1063939 (VCV001063939.6), dbSNP rs751003573, ClinGen allele CA1713728.